The following is an entry in ClinVar:

NM_000497.4(CYP11B1):c.281C>T (p.Pro94Leu)

Gene: CYP11B1 (cytochrome P450 family 11 subfamily B member 1; minus strand). Cytogenetic location: 8q24.3.
Variant type: single nucleotide variant.
Coding change: c.281C>T on transcript NM_000497.4 (MANE Select); coding-DNA position 281, C replaced by T.
Protein change: p.Pro94Leu; replaces proline 94 with leucine.
Molecular consequence: missense variant.
Genome position (GRCh38, 1-based): chr8:142,879,146, G>A on the plus strand (C>T on the coding strand, the complement: CYP11B1 is on the minus strand). VCF-style: chr8-142879146-G-A. GRCh37 (hg19) VCF-style: chr8-143960562-G-A.
Other names: c.281C>T, p.Pro94Leu (NM_001026213.1); short protein forms P94L.
Identifiers: ClinVar variation 1186 (VCV000001186.15), dbSNP rs104894070, ClinGen allele CA213667.

ClinVar aggregate classification (germline): Pathogenic/Likely pathogenic. Review status: criteria provided, multiple submitters, no conflicts (2 of 4 stars). 8 submissions from 8 submitters: Pathogenic (4); Likely pathogenic (1). 3 of the submissions do not count toward it. Last evaluated 2023-11-20.

Conditions:
Deficiency of steroid 11-beta-monooxygenase (CYP11B1). Also called: 11-BETA-HYDROXYLASE DEFICIENCY; ADRENAL HYPERPLASIA, CONGENITAL, DUE TO STEROID 11-BETA-HYDROXYLASE DEFICIENCY; P450C11B1 DEFICIENCY; STEROID 11-BETA-HYDROXYLASE DEFICIENCY; Congenital adrenal hyperplasia due to 11-beta-hydroxylase deficiency; ADRENAL HYPERPLASIA IV. Identifiers: Orphanet 90795, MedGen C0268292, MONDO:0008729, OMIM 202010. Disease mechanism: loss of function.
Glucocorticoid-remediable aldosteronism. Also called: ACTH-DEPENDENT HYPERALDOSTERONISM SYNDROME; ALDOSTERONISM, SENSITIVE TO DEXAMETHASONE; Hyperaldosteronism, familial, type I; FH I; GLUCOCORTICOID-SUPPRESSIBLE HYPERALDOSTERONISM. Identifiers: Orphanet 403, MedGen C3838731, MONDO:0007080, OMIM 103900.
Congenital adrenal hyperplasia. Identifiers: Orphanet 418, MedGen C0001627, MONDO:0018479, HP:0008258.

Allele frequency attached by ClinVar (database versions not stated): gnomAD exomes below 0.00001.
gnomAD v4.1: 10 of 1,613,820 alleles (0.00062%); highest among the groups gnomAD compares: East Asian, 0.0022%; no homozygotes.

Submissions (8):

Baylor Genetics
Classification: Pathogenic for Deficiency of steroid 11-beta-monooxygenase. Last evaluated: 2023-11-20. Review status: criteria provided, single submitter. Criteria: ACMG Guidelines, 2015. Collection method: clinical testing. Allele origin: unknown.

Labcorp Genetics (formerly Invitae), Labcorp
Classification: Pathogenic. Last evaluated: 2023-07-03. Review status: criteria provided, single submitter. Criteria: Invitae Variant Classification Sherloc (09022015). Collection method: clinical testing. Allele origin: germline.
Comment: For these reasons, this variant has been classified as Pathogenic. Advanced modeling of protein sequence and biophysical properties (such as structural, functional, and spatial information, amino acid conservation, physicochemical variation, residue mobility, and thermodynamic stability) performed at Invitae indicates that this missense variant is expected to disrupt CYP11B1 protein function. ClinVar contains an entry for this variant (Variation ID: 1186). This missense change has been observed in individuals with congenital adrenal hyperplasia (PMID: 16046588, 16670167, 25911436, 26956189). This variant is present in population databases (rs104894070, gnomAD 0.003%). This sequence change replaces proline, which is neutral and non-polar, with leucine, which is neutral and non-polar, at codon 94 of the CYP11B1 protein (p.Pro94Leu). Experimental studies have shown that this missense change affects CYP11B1 function (PMID: 16670167).

Fulgent Genetics
Classification: Pathogenic for Glucocorticoid-remediable aldosteronism; Deficiency of steroid 11-beta-monooxygenase. Last evaluated: 2022-02-16. Review status: criteria provided, single submitter. Criteria: ACMG Guidelines, 2015. Collection method: clinical testing. Allele origin: unknown.

Athena Diagnostics
Classification: Pathogenic. Last evaluated: 2016-12-01. Review status: criteria provided, single submitter. Criteria: Athena Diagnostics Criteria. Collection method: clinical testing. Allele origin: germline.

Juno Genomics, Hangzhou Juno Genomics, Inc
Classification: Likely pathogenic for Deficiency of steroid 11-beta-monooxygenase; Glucocorticoid-remediable aldosteronism. Review status: criteria provided, single submitter. Criteria: ACMG Guidelines, 2015. Collection method: clinical testing. Allele origin: germline. Affected: yes.
Comment: Absent from controls (or at extremely low frequency if recessive) in Genome Aggregation Database.;Well-established in vitro or in vivo functional studies supportive of a damaging effect on the gene or gene product.;For recessive disorders, detected in trans with a pathogenic variant.;Patient's phenotype or family history is highly specific for a disease with a single genetic etiology.

Counsyl
Classification: Likely pathogenic for Deficiency of steroid 11-beta-monooxygenase. Last evaluated: 2017-08-16. Review status: no assertion criteria provided. Collection method: clinical testing. Allele origin: unknown. Not counted in ClinVar's aggregate classification.

Women's Health and Genetics/Laboratory Corporation of America, LabCorp
No classification provided. Condition: Congenital Adrenal Hyperplasia. Last evaluated: 2015-10-02. Review status: no classification provided. Collection method: clinical testing. Allele origin: germline. Not counted in ClinVar's aggregate classification.

OMIM
Classification: Pathogenic for ADRENAL HYPERPLASIA, CONGENITAL, DUE TO STEROID 11-BETA-HYDROXYLASE DEFICIENCY. Last evaluated: 2006-07-01. Review status: no assertion criteria provided. Collection method: literature only. Allele origin: germline. Not counted in ClinVar's aggregate classification.

Literature cited by the submitters: PubMed 16046588 (cited by 3 submitters); PubMed 16670167 (cited by 4 submitters); PubMed 25911436 (cited by Labcorp Genetics (formerly Invitae), Labcorp and Counsyl); PubMed 26956189 (cited by Labcorp Genetics (formerly Invitae), Labcorp and Counsyl).